The following is an entry in ClinVar:

NM_015474.4(SAMHD1):c.1053dup (p.Arg352Ter)

Gene: SAMHD1 (SAM and HD domain containing deoxynucleoside triphosphate triphosphohydrolase 1; minus strand). Cytogenetic location: 20q11.23.
Variant type: Duplication.
Coding change: c.1053dup on transcript NM_015474.4 (MANE Select); coding-DNA position 1053, one base duplicated (T; older notation c.1053dupT).
Protein change: p.Arg352Ter; replaces arginine 352 with a stop codon.
Molecular consequence: nonsense.
Genome position (GRCh38, 1-based): chr20:36,916,731, A duplicated on the plus strand (T on the coding strand, the reverse complement: SAMHD1 is on the minus strand). VCF-style (leftmost placement, unchanged base first): chr20-36916730-T-TA. GRCh37 (hg19) VCF-style: chr20-35545133-T-TA.
Other names: c.1053dup, p.Arg352Ter (NM_001363729.2, NM_001363733.2); short protein forms R352*.
Identifiers: ClinVar variation 2757232 (VCV002757232.3), dbSNP rs2515244156, ClinGen allele CA2697547378.

ClinVar aggregate classification (germline): Pathogenic (1 of 4 stars; one submission).

Conditions:
Aicardi-Goutieres syndrome 5. Identifiers: Orphanet 51, MedGen C2749659, MONDO:0013059, OMIM 612952.

Submission:

Labcorp Genetics (formerly Invitae), Labcorp
Classification: Pathogenic for Aicardi-Goutieres syndrome 5. Last evaluated: 2023-09-01. Review status: criteria provided, single submitter. Criteria: Invitae Variant Classification Sherloc (09022015). Collection method: clinical testing. Allele origin: germline.
Comment: For these reasons, this variant has been classified as Pathogenic. This variant has not been reported in the literature in individuals affected with SAMHD1-related conditions. This sequence change creates a premature translational stop signal (p.Arg352*) in the SAMHD1 gene. It is expected to result in an absent or disrupted protein product. Loss-of-function variants in SAMHD1 are known to be pathogenic (PMID: 19525956, 22461318). This variant is not present in population databases (gnomAD no frequency).

Literature cited by the submitters: PubMed 19525956; PubMed 22461318.